The following is an entry in ClinVar:

NM_201384.3(PLEC):c.5068G>A (p.Ala1690Thr)

Gene: PLEC (plectin; minus strand). Cytogenetic location: 8q24.3.
Variant type: single nucleotide variant.
Coding change: c.5068G>A on transcript NM_201384.3 (MANE Select); coding-DNA position 5068, G replaced by A.
Protein change: p.Ala1690Thr; replaces alanine 1690 with threonine.
Molecular consequence: missense variant.
Genome position (GRCh38, 1-based): chr8:143,924,861, C>T on the plus strand (G>A on the coding strand, the complement: PLEC is on the minus strand). VCF-style: chr8-143924861-C-T. GRCh37 (hg19) VCF-style: chr8-144999029-C-T.
Other names: c.5149G>A, p.Ala1717Thr (NM_000445.5); c.5479G>A, p.Ala1827Thr (NM_201380.4); c.4972G>A, p.Ala1658Thr (NM_201381.3); c.5068G>A, p.Ala1690Thr (NM_201382.4); c.5080G>A, p.Ala1694Thr (NM_201383.3); c.5026G>A, p.Ala1676Thr (NM_201378.4); c.5002G>A, p.Ala1668Thr (NM_201379.3); short protein forms A1668T, A1658T, A1694T, A1827T, A1676T, A1690T, A1717T.
Identifiers: ClinVar variation 1966424 (VCV001966424.5), dbSNP rs1435218285, ClinGen allele CA372549971.

ClinVar aggregate classification (germline): Uncertain significance (1 of 4 stars; one submission).

Conditions:
Epidermolysis bullosa simplex 5B, with muscular dystrophy (EBS5B). Also called: Epidermolysis bullosa simplex with muscular dystrophy; EPIDERMOLYSIS BULLOSA SIMPLEX AND LIMB-GIRDLE MUSCULAR DYSTROPHY. Identifiers: Orphanet 257, MedGen C2931072, MONDO:0009181, OMIM 226670.
Epidermolysis bullosa simplex, Ogna type (EBS5A). Also called: Pidermolysis bullosa simplex 5A, Ogna type; EPIDERMOLYSIS BULLOSA SIMPLEX 5A, OGNA TYPE. Identifiers: Orphanet 79401, MedGen C0432317, MONDO:0007555, OMIM 131950.
Epidermolysis bullosa simplex 5C, with pyloric atresia (EBS5C). Also called: Epidermolysis bullosa simplex with pyloric atresia; PLEC-Related Epidermolysis Bullosa with Pyloric Atresia; PLEC1-Related Epidermolysis Bullosa with Pyloric Atresia. Identifiers: Orphanet 158684, MedGen C2677349, MONDO:0012807, OMIM 612138.
Autosomal recessive limb-girdle muscular dystrophy type 2Q (LGMDR17). Also called: MUSCULAR DYSTROPHY, LIMB-GIRDLE, AUTOSOMAL RECESSIVE 17. Identifiers: Orphanet 254361, MedGen C3150989, MONDO:0013390, OMIM 613723.
Epidermolysis bullosa simplex with nail dystrophy (EBS5D). Identifiers: MedGen C4225309, MONDO:0014661, OMIM 616487.

Submission:

Labcorp Genetics (formerly Invitae), Labcorp
Classification: Uncertain significance for Autosomal recessive limb-girdle muscular dystrophy type 2Q; Epidermolysis bullosa simplex, Ogna type; Epidermolysis bullosa simplex with nail dystrophy; Epidermolysis bullosa simplex 5C, with pyloric atresia; Epidermolysis bullosa simplex 5B, with muscular dystrophy. Last evaluated: 2024-08-20. Review status: criteria provided, single submitter. Criteria: Invitae Variant Classification Sherloc (09022015). Collection method: clinical testing. Allele origin: germline.
Comment: This sequence change replaces alanine, which is neutral and non-polar, with threonine, which is neutral and polar, at codon 1717 of the PLEC protein (p.Ala1717Thr). This variant is not present in population databases (gnomAD no frequency). This variant has not been reported in the literature in individuals affected with PLEC-related conditions. ClinVar contains an entry for this variant (Variation ID: 1966424). Experimental studies and prediction algorithms are not available or were not evaluated, and the functional significance of this variant is currently unknown. In summary, the available evidence is currently insufficient to determine the role of this variant in disease. Therefore, it has been classified as a Variant of Uncertain Significance.